The following is an entry in ClinVar:

NM_001369.3(DNAH5):c.3022_3023insAGCAGCACGAGATCACAGA (p.Pro1008fs)

Genes: DNAH5-AS1 (DNAH5 antisense RNA 1; plus strand), DNAH5 (dynein axonemal heavy chain 5; minus strand). Cytogenetic location: 5p15.2.
Variant type: Insertion.
Coding change: c.3022_3023insAGCAGCACGAGATCACAGA on transcript NM_001369.3 (MANE Select); coding-DNA positions 3022 to 3023, AGCAGCACGAGATCACAGA inserted.
Protein change: p.Pro1008fs; shifts the reading frame from proline 1008.
Molecular consequence: frameshift variant.
Genome position: GRCh38 VCF-style: chr5-13883055-G-GTCTGTGATCTCGTGCTGCT. GRCh37 (hg19) VCF-style: chr5-13883164-G-GTCTGTGATCTCGTGCTGCT.
Other names: short protein forms P1008fs.
Identifiers: ClinVar variation 5010607 (VCV005010607.1).

ClinVar aggregate classification (germline): Pathogenic (1 of 4 stars; one submission).

Conditions:
Primary ciliary dyskinesia 3. Identifiers: Orphanet 244, MedGen C1837618, MONDO:0012085, OMIM 608644.

Submission:

Myriad Genetics, Inc.
Classification: Pathogenic for Primary ciliary dyskinesia 3. Last evaluated: 2024-05-14. Review status: criteria provided, single submitter. Criteria: Myriad Autosomal Dominant, Autosomal Recessive and X-Linked Classification Criteria (2023). Collection method: clinical testing. Allele origin: unknown.
Comment: NM_001369.2(DNAH5):c.3022_3023ins19(P1008Qfs*45) is expected to be pathogenic in the context of primary ciliary dyskinesia, DNAH5-related. This variant is predicted to lead to an abnormal or absent protein product due to the creation of a premature termination codon in DNAH5, a gene where loss-of-function variants are known to be pathogenic. Please note: this variant was assessed in the context of healthy population screening.